The following is an entry in ClinVar:

ClinVar aggregate classification (germline): Uncertain significance (1 of 4 stars; one submission).

Conditions:
Malignant hyperthermia, susceptibility to, 1 (MHS1). Also called: Anesthesia related hyperthermia; Malignant hyperpyrexia; Fulminating hyperpyrexia; Pharmacogenic myopathy; RYR1-Related Malignant Hyperthermia Susceptibility; Malignant hyperthermia suceptibility 1. Identifiers: Orphanet 423, MedGen C2930980, MONDO:0007783, OMIM 145600.

Submission:

All of Us Research Program, National Institutes of Health
Classification: Uncertain significance for Malignant hyperthermia, susceptibility to, 1. Last evaluated: 2023-06-26. Review status: criteria provided, single submitter. Criteria: ACMG Guidelines, 2015. Collection method: clinical testing. Allele origin: germline. Inheritance: Autosomal dominant inheritance. Observed: 1 variant allele, 1 heterozygote.
Comment: This variant causes a C to A nucleotide substitution at the -15 position of intron 98 of the RYR1 gene. To our knowledge, functional studies have not been reported for this variant. This variant has not been reported in individuals affected with RYR1-related disorders in the literature. This variant has not been identified in the general population by the Genome Aggregation Database (gnomAD). The available evidence is insufficient to determine the role of this variant in disease conclusively. Therefore, this variant is classified as a Variant of Uncertain Significance.

This study involves interpretation of variants in research participants for the purpose of population health screening. Participant phenotype was not available at the time of variant classification. Additional details can be found in publication PMID: 35346344, PMCID: PMC8962531

NM_000540.3(RYR1):c.14304-15C>A

Gene: RYR1 (ryanodine receptor 1; plus strand). Cytogenetic location: 19q13.2.
Variant type: single nucleotide variant.
Coding change: c.14304-15C>A on transcript NM_000540.3 (MANE Select); 15 bases into the intron before coding-DNA position 14304, C replaced by A.
Molecular consequence: intron variant.
Genome position (GRCh38, 1-based): chr19:38,578,129, C>A. VCF-style: chr19-38578129-C-A. GRCh37 (hg19) VCF-style: chr19-39068769-C-A.
Other names: c.14289-15C>A (NM_001042723.2).
Identifiers: ClinVar variation 3072173 (VCV003072173.1), dbSNP rs1265641854, ClinGen allele CA2825002806.
Genomic context (GRCh38, chr19:38,578,129, plus strand): 5'-CACAGGCCTGGGGCATGCAGGGGAGGTGACTGGAGTCTGACACTCAAGCATCTCTCCCCA[C>A]CCCCGCCCCCACAGGCTCATGTCCATCGATGTCAAGTACCAGATCTGGAAGTTCGGGGTC-3'